The following is an entry in ClinVar:

NC_000013.11:g.32333289_32333290delinsG

Gene: BRCA2 (BRCA2 DNA repair associated; plus strand). Cytogenetic location: 13q13.1.
Variant type: Indel.
Genome position: GRCh38 VCF-style: chr13-32333289-AA-G. GRCh37 (hg19) VCF-style: chr13-32907426-AA-G.
Other names: 2039delAAinsG; c.1811_1812delinsG, p.Lys604fs (LRG_293t1).
Identifiers: ClinVar variation 266662 (VCV000266662.5), dbSNP rs886040391, ClinGen allele CA10589121.

ClinVar aggregate classification (germline): Pathogenic. Review status: reviewed by expert panel (3 of 4 stars). 2 submissions from 2 submitters: Pathogenic (1). 1 of the submissions does not count toward it. Last evaluated 2016-10-18.

Conditions:
Breast-ovarian cancer, familial, susceptibility to, 2 (BROVCA2). Also called: BRCA2 Hereditary Breast and Ovarian Cancer. Identifiers: Orphanet 145, MedGen C2675520, MONDO:0012933, OMIM 612555. Disease mechanism: loss of function.

Submissions (2):

Evidence-based Network for the Interpretation of Germline Mutant Alleles (ENIGMA)
Classification: Pathogenic for Breast-ovarian cancer, familial, susceptibility to, 2. Last evaluated: 2016-10-18. Review status: reviewed by expert panel. Criteria: ENIGMA BRCA1/2 Classification Criteria (2015). Collection method: curation. Allele origin: germline.
Comment: Variant allele predicted to encode a truncated non-functional protein.

Consortium of Investigators of Modifiers of BRCA1/2 (CIMBA), c/o University of Cambridge
Classification: Pathogenic for Breast-ovarian cancer, familial, susceptibility to, 2. Last evaluated: 2015-10-02. Review status: criteria provided, single submitter. Criteria: CIMBA Mutation Classification guidelines May 2016. Collection method: clinical testing. Allele origin: germline. Not counted in ClinVar's aggregate classification.